The following is an entry in ClinVar:

ClinVar aggregate classification (germline): Uncertain significance (1 of 4 stars; one submission).

Allele frequency attached by ClinVar (database versions not stated): gnomAD exomes below 0.00001.
gnomAD v4.1: 1 of 1,365,330 alleles (0.000073%); highest among the groups gnomAD compares: Non-Finnish European, 0.000094%; no homozygotes.

Submission:

GeneDx
Classification: Uncertain significance. Last evaluated: 2022-06-30. Review status: criteria provided, single submitter. Criteria: GeneDx Variant Classification Process June 2021. Collection method: clinical testing. Allele origin: germline. Affected: yes.
Comment: Not observed at significant frequency in large population cohorts (gnomAD); In silico analysis supports that this variant does not alter splicing; Has not been previously published as pathogenic or benign to our knowledge; Reported using an alternate transcript of the gene

NM_001330078.2(NRXN1):c.3365-109973C>G

Gene: NRXN1 (neurexin 1; minus strand). Cytogenetic location: 2p16.3.
Variant type: single nucleotide variant.
Coding change: c.3365-109973C>G on transcript NM_001330078.2 (MANE Select); 109973 bases into the intron before coding-DNA position 3365, C replaced by G.
Molecular consequence: intron variant. On other transcripts: missense variant (4).
Genome position (GRCh38, 1-based): chr2:50,346,943, G>C on the plus strand (C>G on the coding strand, the complement: NRXN1 is on the minus strand). VCF-style: chr2-50346943-G-C. GRCh37 (hg19) VCF-style: chr2-50574081-G-C.
Other names: c.7C>G, p.Gln3Glu (NM_001330091.2, NM_001330092.2, NM_001330097.2 and 1 more transcripts); c.3254-109973C>G (NM_001330096.2, NM_001330087.2); c.3299-109973C>G (NM_001330083.2, NM_001330084.2); c.3284-109973C>G (NM_001330088.2); c.3362-109973C>G (NM_001330093.2); c.3353-109973C>G (NM_001330094.2); c.3314-109973C>G (NM_001330095.2); c.3341-109973C>G (NM_001330082.2, NM_001330077.2); and 3 more; short protein forms Q3E.
Identifiers: ClinVar variation 1810070 (VCV001810070.1), dbSNP rs2467373824, ClinGen allele CA346820744.